The following continues an entry in ClinVar:

NM_000406.3(GNRHR):c.785G>A (p.Arg262Gln)

Gene: GNRHR. ClinVar aggregate classification (germline): Pathogenic/Likely pathogenic. Pathogenic (17); Likely pathogenic (4).

Submissions 16 to 24 of 24:

Victorian Clinical Genetics Services, Murdoch Childrens Research Institute
Classification: Pathogenic for Hypogonadotropic hypogonadism 7 with or without anosmia. Last evaluated: 2021-05-06. Review status: criteria provided, single submitter. Criteria: ACMG Guidelines, 2015. Collection method: clinical testing. Allele origin: germline. Inheritance: Autosomal recessive inheritance.
Comment: Based on the classification scheme VCGS_Germline_v1.3.4, this variant is classified as Pathogenic. Following criteria are met: 0102 - Loss of function is a known mechanism of disease in this gene and is associated with hypogonadotropic hypogonadism 7 without anosmia (MIM#146110). (I) 0106 - This gene is associated with autosomal recessive disease. (I) 0200 - Variant is predicted to result in a missense amino acid change from arginine to glutamine. (I) 0251 - This variant is heterozygous. (I) 0304 - Variant is present in gnomAD (v2) <0.01 for a recessive condition (503 heterozygotes, 1 homozygote). (SP) 0309 - An alternative amino acid change at the same position has been observed in gnomAD (v2) (5 heterozygotes, 0 homozygotes). (I) 0502 - Missense variant with conflicting in silico predictions and uninformative conservation. (I) 0600 - Variant is located in the annotated third intracellular loop (PMID: 9371856, 16968799). (I) 0705 - No comparable missense variants have previous evidence for pathogenicity. (I) 0801 - This variant has strong previous evidence of pathogenicity in unrelated individuals. This is one of the most frequently reported variants in this gene and has been reported in numerous patients with hypogonadotropic hypogonadism, in both the homozygous or compound heterozygous states (ClinVar, PMID: 9371856, 9425890, 16968799, 22724017, 29182666, 28611058). (SP) 1002 - This variant has moderate functional evidence supporting abnormal protein function. Functional studies on this variant showed a decrease in phospholipase C activity compared to wild type, resulting in a partial loss of function (PMID: 9371856, 12574221). (SP) 1208 - Inheritance information for this variant is not currently available in this individual. (I) Legend: (SP) - Supporting pathogenic, (I) - Information, (SB) - Supporting benign

Hadassah Hebrew University Medical Center
Classification: Pathogenic for Hypogonadotropic hypogonadism 7 without anosmia. Last evaluated: 2019-06-20. Review status: criteria provided, single submitter. Criteria: ACMG Guidelines, 2015. Collection method: clinical testing. Allele origin: germline. Affected: yes.

Illumina Laboratory Services, Illumina
Classification: Pathogenic for Hypogonadotropic hypogonadism 7 with or without anosmia. Last evaluated: 2018-09-19. Review status: criteria provided, single submitter. Criteria: ICSL Variant Classification Criteria 09 May 2019. Collection method: clinical testing. Allele origin: germline.
Comment: The GNRHR c.785G>A (p.Arg262Gln) missense variant has been reported in at least seven studies and is found in at least 18 individuals with isolated GnRH deficiency, including in five in a homozygous state, including one sibling pair, in ten in a compound heterozygous state, including four sibling pairs, and in four in a heterozygous state (de Roux et al. 1997; Lin et al. 2006; Laitinen et al. 2012; Gianetti et al. 2012; Tommiska et al. 2014; Hietamaki et al. 2017; Goncalves et al. 2017). Probands exhibited idiopathic hypogonadotropic hypogonadism, delayed puberty, incomplete puberty, or isolated hypogonadotropic hypogonadism. Control data are unavailable for this variant, which is reported at a frequency of 0.005313 in the European (Finnish) population of the Genome Aggregation Database. Functional evaluation of receptor stimulation by ligand induced signaling stimulation of p.Arg262Gln variant GnRHR resulted in significantly less phospholipase C activity compared to wild type GnRHR, demonstrating p.Arg262Gln is functionally deficient (Bedecarrats et al. 2003). Based on the evidence, the p.Arg262Gln variant is classified as pathogenic for isolated GnRH deficiency. This variant was observed by ICSL as part of a predisposition screen in an ostensibly healthy population.

Centre of Medical Genetics, University Hospital Muenster
Classification: Likely pathogenic. Last evaluated: 2017-02-22. Review status: criteria provided, single submitter. Criteria: ACMG Guidelines, 2015. Collection method: clinical testing. Allele origin: unknown. Affected: yes. Observed: 1 variant allele, 1 heterozygote.
Comment: ACMG categories: PM1,PP2,PP3,PP4,PP5,BP1

Juno Genomics, Hangzhou Juno Genomics, Inc
Classification: Pathogenic for Hypogonadotropic hypogonadism 7 with or without anosmia. Review status: criteria provided, single submitter. Criteria: ACMG Guidelines, 2015. Collection method: clinical testing. Allele origin: germline.
Comment: Multiple lines of computational evidence support a deleterious effect on the gene or gene product.;For recessive disorders, detected in trans with a pathogenic variant.;Co-segregation with disease in multiple affected family members.;Patient's phenotype or family history is highly specific for a disease with a single genetic etiology.

UNC Molecular Genetics  Laboratory, University of North Carolina at Chapel Hill
Classification: Pathogenic for Hypogonadotropic hypogonadism 7 with or without anosmia. Review status: criteria provided, single submitter. Criteria: ACMG Guidelines, 2015. Collection method: research. Allele origin: germline. Affected: no. Observed: 1 variant allele. Study: NSIGHT-NC NEXUS.
Comment: The GNRHR c.785G>A (p.R262Q) variant has been reported in the compound heterozygous state in at at least 4 families with idiopathic hypogonadotropic hypogonadism (PMID: 9371856; 10084584; 9425890; 10690855).

carrier finding

Yale Center for Mendelian Genomics, Yale University
Classification: Uncertain significance for Amenorrhea. Last evaluated: 2021-03-08. Review status: no assertion criteria provided. Collection method: literature only. Allele origin: unknown. Affected: yes. Observed: 1 heterozygote. Study: Yale Center for Mendelian Genomics. Not counted in ClinVar's aggregate classification.

Reproductive Health Research and Development, BGI Genomics
Classification: Pathogenic for Hypogonadotropic hypogonadism 7 with or without anosmia. Last evaluated: 2020-01-06. Review status: no assertion criteria provided. Collection method: curation. Allele origin: germline. Not counted in ClinVar's aggregate classification.
Comment: NM_000406.2:c.785G>A in the GNRHR gene has an allele frequency of 0.005 in European (Finnish) subpopulation in the gnomAD database. The GNRHR c.785G>A (p.Arg262Gln) missense variant has been reported in multiple individuals with isolated GnRH deficiency, including homozygous Arg262Gln and compound heterozygous Gln106Arg/Phe309del; c.[785G>A];[937_947del]; Q106R/R262Q; L166P/R262Q; R139H/R262Q and R262Q/del309F (PMID: 22724017; 22745237; 29182666; 28611058). Functional evaluation of receptor stimulation by ligand induced signaling stimulation of p.Arg262Gln variant GnRHR resulted in significantly less phospholipase C activity compared to wild type GnRHR, demonstrating p.Arg262Gln is functionally deficient (PMID: 12574221). Taken together, we interprete this variant as Pathogenic/Likely pathogenic variant. ACMG/AMP Criteria applied: PM3_VeryStrong, PS3, PP4.

OMIM
Classification: Pathogenic for HYPOGONADOTROPIC HYPOGONADISM 7 WITHOUT ANOSMIA. Last evaluated: 2006-12-01. Review status: no assertion criteria provided. Collection method: literature only. Allele origin: germline. Not counted in ClinVar's aggregate classification.

Literature cited by the submitters: PubMed 9371856 (cited by 6 submitters); PubMed 9425890 (cited by 5 submitters); PubMed 10022417 (cited by 3 submitters); PubMed 10084584 (cited by 4 submitters); PubMed 16968799 (cited by 5 submitters); PubMed 26207952 (cited by Labcorp Genetics (formerly Invitae), Labcorp and Dasa); PubMed 12574221 (cited by 4 submitters); PubMed 22724017 (cited by Victorian Clinical Genetics Services, Murdoch Childrens Research Institute and Illumina Laboratory Services, Illumina); PubMed 28611058 (cited by Victorian Clinical Genetics Services, Murdoch Childrens Research Institute and Illumina Laboratory Services, Illumina); PubMed 29182666 (cited by Victorian Clinical Genetics Services, Murdoch Childrens Research Institute and Illumina Laboratory Services, Illumina); PubMed 33223529 (cited by Hadassah Hebrew University Medical Center); PubMed 24732674 (cited by Illumina Laboratory Services, Illumina); PubMed 22745237 (cited by Illumina Laboratory Services, Illumina); PubMed 10690855 (cited by UNC Molecular Genetics  Laboratory, University of North Carolina at Chapel Hill and OMIM); PubMed 32870266 (cited by Yale Center for Mendelian Genomics, Yale University).